The following is an entry in ClinVar:

NM_007194.4(CHEK2):c.1327G>T (p.Gly443Ter)

Gene: CHEK2 (checkpoint kinase 2; minus strand). Cytogenetic location: 22q12.1.
Variant type: single nucleotide variant.
Coding change: c.1327G>T on transcript NM_007194.4 (MANE Select); coding-DNA position 1327, G replaced by T.
Protein change: p.Gly443Ter; replaces glycine 443 with a stop codon.
Molecular consequence: nonsense.
Genome position (GRCh38, 1-based): chr22:28,695,175, C>A on the plus strand (G>T on the coding strand, the complement: CHEK2 is on the minus strand). VCF-style: chr22-28695175-C-A. GRCh37 (hg19) VCF-style: chr22-29091163-C-A.
Other names: c.1456G>T, p.Gly486Ter (NM_001005735.3); c.664G>T, p.Gly222Ter (NM_001257387.3); c.1126G>T, p.Gly376Ter (NM_001349956.3); c.1240G>T, p.Gly414Ter (NM_145862.3); short protein forms G222*, G376*, G414*, G443*, G486*.
Identifiers: ClinVar variation 2584296 (VCV002584296.3), dbSNP rs2052518989, ClinGen allele CA411095848.

ClinVar aggregate classification (germline): Pathogenic. Review status: criteria provided, multiple submitters, no conflicts (2 of 4 stars). 2 submissions from 2 submitters: Pathogenic (2). Last evaluated 2025-02-02.

Conditions:
Familial cancer of breast. Also called: BREAST CANCER, FAMILIAL; hereditary breast carcinoma; Hereditary breast cancer. Identifiers: Orphanet 227535, MedGen C0346153, MONDO:0016419, OMIM 114480. Disease mechanism: loss of function.

Submissions (2):

Labcorp Genetics (formerly Invitae), Labcorp
Classification: Pathogenic for Familial cancer of breast. Last evaluated: 2025-02-02. Review status: criteria provided, single submitter. Criteria: Invitae Variant Classification Sherloc (09022015). Collection method: clinical testing. Allele origin: germline.
Comment: This sequence change creates a premature translational stop signal (p.Gly443*) in the CHEK2 gene. It is expected to result in an absent or disrupted protein product. Loss-of-function variants in CHEK2 are known to be pathogenic (PMID: 21876083, 24713400). This variant is not present in population databases (gnomAD no frequency). This variant has not been reported in the literature in individuals affected with CHEK2-related conditions. ClinVar contains an entry for this variant (Variation ID: 2584296). RNA analysis performed to evaluate the impact of this premature translational stop signal on mRNA splicing indicates it does not significantly alter splicing (internal data). For these reasons, this variant has been classified as Pathogenic.

Myriad Genetics, Inc.
Classification: Pathogenic for Familial cancer of breast. Last evaluated: 2023-06-28. Review status: criteria provided, single submitter. Criteria: Myriad Autosomal Dominant, Autosomal Recessive and X-Linked Classification Criteria (2023). Collection method: clinical testing. Allele origin: unknown.
Comment: This variant is considered pathogenic. This variant creates a termination codon and is predicted to result in premature protein truncation.

Literature cited by the submitters: PubMed 21876083 (cited by Labcorp Genetics (formerly Invitae), Labcorp); PubMed 24713400 (cited by Labcorp Genetics (formerly Invitae), Labcorp).